The following is an entry in ClinVar:

ClinVar aggregate classification (germline): Uncertain significance. Review status: criteria provided, multiple submitters, no conflicts (2 of 4 stars). 2 submissions from 2 submitters: Uncertain significance (2). Last evaluated 2025-11-10.

gnomAD v4.1: 2 of 1,613,674 alleles (0.00012%); highest among the groups gnomAD compares: Non-Finnish European, 0.00017%; no homozygotes.

Submissions (2):

Labcorp Genetics (formerly Invitae), Labcorp
Classification: Uncertain significance. Last evaluated: 2025-11-10. Review status: criteria provided, single submitter. Criteria: Invitae Variant Classification Sherloc (09022015). Collection method: clinical testing. Allele origin: germline.
Comment: This sequence change replaces methionine, which is neutral and non-polar, with valine, which is neutral and non-polar, at codon 290 of the KAT6A protein (p.Met290Val). This variant is not present in population databases (gnomAD no frequency). This variant has not been reported in the literature in individuals affected with KAT6A-related conditions. Invitae Evidence Modeling of protein sequence and biophysical properties (such as structural, functional, and spatial information, amino acid conservation, physicochemical variation, residue mobility, and thermodynamic stability) indicates that this missense variant is not expected to disrupt KAT6A protein function with a negative predictive value of 95%. In summary, the available evidence is currently insufficient to determine the role of this variant in disease. Therefore, it has been classified as a Variant of Uncertain Significance.

Women's Health and Genetics/Laboratory Corporation of America, LabCorp
Classification: Uncertain significance. Last evaluated: 2025-11-05. Review status: criteria provided, single submitter. Criteria: LabCorp Variant Classification Summary - May 2015. Collection method: clinical testing. Allele origin: germline.
Comment: Variant summary: KAT6A c.868A>G (p.Met290Val) results in a conservative amino acid change in the encoded protein sequence. Algorithms developed to predict the effect of missense changes on protein structure and function are either unavailable or do not agree on the potential impact of this missense change. The variant was absent in 251162 control chromosomes. The available data on variant occurrences in the general population are insufficient to allow any conclusion about variant significance. To our knowledge, no occurrence of c.868A>G in individuals affected with KAT6A-related conditions and no experimental evidence demonstrating its impact on protein function have been reported. No submitters have cited clinical-significance assessments for this variant to ClinVar. Based on the evidence outlined above, the variant was classified as uncertain significance.

NM_006766.5(KAT6A):c.868A>G (p.Met290Val)

Gene: KAT6A (lysine acetyltransferase 6A; minus strand). Cytogenetic location: 8p11.21.
Variant type: single nucleotide variant.
Coding change: c.868A>G on transcript NM_006766.5 (MANE Select); coding-DNA position 868, A replaced by G.
Protein change: p.Met290Val; replaces methionine 290 with valine.
Molecular consequence: missense variant.
Genome position (GRCh38, 1-based): chr8:41,980,885, T>C on the plus strand (A>G on the coding strand, the complement: KAT6A is on the minus strand). VCF-style: chr8-41980885-T-C. GRCh37 (hg19) VCF-style: chr8-41838403-T-C.
Other names: c.868A>G, p.Met290Val (NM_001305878.2); short protein forms M290V.
Identifiers: ClinVar variation 4537055 (VCV004537055.2).